The following is an entry in ClinVar:

NC_000023.11:g.(?_32484909)_(32501852_?)del

Gene: DMD (dystrophin; minus strand). Cytogenetic location: Xp21.1.
Variant type: Deletion.
Identifiers: ClinVar variation 833327 (VCV000833327.8).

ClinVar aggregate classification (germline): Pathogenic (1 of 4 stars; one submission).

Conditions:
Duchenne muscular dystrophy (DMD). Also called: Duchenne Muscular Dystrophy (DMD); MUSCULAR DYSTROPHY, PSEUDOHYPERTROPHIC PROGRESSIVE, DUCHENNE TYPE. Identifiers: Orphanet 98896, MedGen C0013264, MONDO:0010679, OMIM 310200.

Submission:

Labcorp Genetics (formerly Invitae), Labcorp
Classification: Pathogenic for Duchenne muscular dystrophy. Last evaluated: 2019-04-10. Review status: criteria provided, single submitter. Criteria: Invitae Variant Classification Sherloc (09022015). Collection method: clinical testing. Allele origin: germline.
Comment: This variant is an out-of-frame deletion of the genomic region encompassing exons 19-21 of the DMD gene. This is expected to create a premature translational stop signal and result in an absent or disrupted protein product. This variant has been observed in an individual affected with Duchenne muscular dystrophy (PMID:¬†15845029). Loss-of-function variants in DMD are known to be pathogenic (PMID: 16770791, 25007885). For these reasons, this variant has been classified as Pathogenic.

Literature cited by the submitters: PubMed 16770791; PubMed 25007885.